The following is an entry in ClinVar:

ClinVar aggregate classification (germline): Uncertain significance. Review status: criteria provided, multiple submitters, no conflicts (2 of 4 stars). 2 submissions from 2 submitters: Uncertain significance (2). Last evaluated 2025-07-08.

Conditions:
Glutamate formiminotransferase deficiency. Also called: Arakawa syndrome 1; Formiminoglutamic aciduria. Identifiers: Orphanet 51208, MedGen C0268609, MONDO:0009240, OMIM 229100.
Inborn genetic diseases. Identifiers: MedGen C0950123, MeSH D030342.

Allele frequency attached by ClinVar (database versions not stated): gnomAD 0.00001 and 0.00002; gnomAD exomes 0.00002 and 0.00003; TOPMed 0.00002; ExAC 0.00004.

Submissions (2):

Ambry Genetics
Classification: Uncertain significance for Inborn genetic diseases. Last evaluated: 2025-07-08. Review status: criteria provided, single submitter. Criteria: Ambry Variant Classification Scheme 2023. Collection method: clinical testing. Allele origin: germline.

Labcorp Genetics (formerly Invitae), Labcorp
Classification: Uncertain significance for Glutamate formiminotransferase deficiency. Last evaluated: 2022-11-08. Review status: criteria provided, single submitter. Criteria: Invitae Variant Classification Sherloc (09022015). Collection method: clinical testing. Allele origin: germline.
Comment: ClinVar contains an entry for this variant (Variation ID: 1415019). This variant has not been reported in the literature in individuals affected with FTCD-related conditions. This variant is present in population databases (rs759031386, gnomAD 0.006%). This sequence change replaces alanine, which is neutral and non-polar, with valine, which is neutral and non-polar, at codon 530 of the FTCD protein (p.Ala530Val). Advanced modeling of protein sequence and biophysical properties (such as structural, functional, and spatial information, amino acid conservation, physicochemical variation, residue mobility, and thermodynamic stability) performed at Invitae indicates that this missense variant is not expected to disrupt FTCD protein function. In summary, the available evidence is currently insufficient to determine the role of this variant in disease. Therefore, it has been classified as a Variant of Uncertain Significance.

NM_206965.2(FTCD):c.1589C>T (p.Ala530Val)

Gene: FTCD (formimidoyltransferase cyclodeaminase; minus strand). Cytogenetic location: 21q22.3.
Variant type: single nucleotide variant.
Coding change: c.1589C>T on transcript NM_206965.2 (MANE Select); coding-DNA position 1589, C replaced by T.
Protein change: p.Ala530Val; replaces alanine 530 with valine.
Molecular consequence: missense variant. On other transcripts: synonymous variant (1).
Genome position (GRCh38, 1-based): chr21:46,137,024, G>A on the plus strand (C>T on the coding strand, the complement: FTCD is on the minus strand). VCF-style: chr21-46137024-G-A. GRCh37 (hg19) VCF-style: chr21-47556938-G-A.
Other names: c.1569C>T, p.Cys523= (NM_001320412.2); c.1589C>T, p.Ala530Val (NM_006657.3); short protein forms A530V.
Identifiers: ClinVar variation 1415019 (VCV001415019.8), dbSNP rs759031386, ClinGen allele CA10073316.